The following is an entry in ClinVar:

ClinVar aggregate classification (germline): Likely benign. Review status: criteria provided, multiple submitters, no conflicts (2 of 4 stars). 3 submissions from 3 submitters: Likely benign (2). 1 of the submissions does not count toward it. Last evaluated 2026-03-23.

Conditions:
TSHZ1-related disorder. Also called: TSHZ1-related condition.

Allele frequency attached by ClinVar (database versions not stated): 1000 Genomes Project 30x 0.00016; 1000 Genomes Project 0.00020; ExAC 0.00029; gnomAD exomes 0.00032 and 0.00094; TOPMed 0.00042 and 0.00049; gnomAD 0.00051 and 0.00052; ESP Exome Variant Server 0.00077.
gnomAD v4.1: 1,429 of 1,614,120 alleles (0.089%); highest among the groups gnomAD compares: Non-Finnish European, 0.11%; no homozygotes.

Submissions (3):

Women's Health and Genetics/Laboratory Corporation of America, LabCorp
Classification: Likely benign. Last evaluated: 2026-03-23. Review status: criteria provided, single submitter. Criteria: LabCorp Variant Classification Summary - May 2015. Collection method: clinical testing. Allele origin: germline.

Blueprint Genetics
Classification: Likely benign. Last evaluated: 2024-05-03. Review status: criteria provided, single submitter. Criteria: ACMG Guidelines, 2015. Collection method: clinical testing. Allele origin: germline.

PreventionGenetics, part of Exact Sciences
Classification: Likely benign for TSHZ1-related condition. Last evaluated: 2019-07-18. Review status: no assertion criteria provided. Collection method: clinical testing. Allele origin: germline. Not counted in ClinVar's aggregate classification.
Comment: This variant is classified as likely benign based on ACMG/AMP sequence variant interpretation guidelines (Richards et al. 2015 PMID: 25741868, with internal and published modifications).

NM_001308210.2(TSHZ1):c.375C>T (p.Ser125=)

Gene: TSHZ1 (teashirt zinc finger homeobox 1; plus strand). Cytogenetic location: 18q22.3.
Variant type: single nucleotide variant.
Coding change: c.375C>T on transcript NM_001308210.2 (MANE Select); coding-DNA position 375, C replaced by T.
Protein change: p.Ser125=; no amino-acid change (serine 125 retained).
Molecular consequence: synonymous variant.
Genome position (GRCh38, 1-based): chr18:75,285,782, C>T. VCF-style: chr18-75285782-C-T. GRCh37 (hg19) VCF-style: chr18-72997737-C-T.
Other names: c.240C>T, p.Ser80= (NM_005786.6).
Identifiers: ClinVar variation 3043492 (VCV003043492.4), dbSNP rs144905081, ClinGen allele CA9001792.